The following is an entry in ClinVar:

ClinVar aggregate classification (germline): Uncertain significance (1 of 4 stars; one submission).

Conditions:
Congenital contractural arachnodactyly (CCA). Also called: BEALS SYNDROME; Beals-Hecht syndrome; Arthrogryposis, distal, type 9. Identifiers: Orphanet 115, MedGen C0220668, MONDO:0007363, OMIM 121050.

Submission:

Labcorp Genetics (formerly Invitae), Labcorp
Classification: Uncertain significance for Congenital contractural arachnodactyly. Last evaluated: 2020-09-25. Review status: criteria provided, single submitter. Criteria: Invitae Variant Classification Sherloc (09022015). Collection method: clinical testing. Allele origin: germline.
Comment: This sequence change replaces threonine with isoleucine at codon 1416 of the FBN2 protein (p.Thr1416Ile). The threonine residue is highly conserved and there is a moderate physicochemical difference between threonine and isoleucine. This variant is not present in population databases (ExAC no frequency). This variant has not been reported in the literature in individuals with FBN2-related conditions. Advanced modeling of protein sequence and biophysical properties (such as structural, functional, and spatial information, amino acid conservation, physicochemical variation, residue mobility, and thermodynamic stability) performed at Invitae indicates that this missense variant is not expected to disrupt FBN2 protein function. In summary, the available evidence is currently insufficient to determine the role of this variant in disease. Therefore, it has been classified as a Variant of Uncertain Significance.

NM_001999.4(FBN2):c.4247C>T (p.Thr1416Ile)

Gene: FBN2 (fibrillin 2; minus strand). Cytogenetic location: 5q23.3.
Variant type: single nucleotide variant.
Coding change: c.4247C>T on transcript NM_001999.4 (MANE Select); coding-DNA position 4247, C replaced by T.
Protein change: p.Thr1416Ile; replaces threonine 1416 with isoleucine.
Molecular consequence: missense variant.
Genome position (GRCh38, 1-based): chr5:128,330,671, G>A on the plus strand (C>T on the coding strand, the complement: FBN2 is on the minus strand). VCF-style: chr5-128330671-G-A. GRCh37 (hg19) VCF-style: chr5-127666363-G-A.
Other names: short protein forms T1416I.
Identifiers: ClinVar variation 1016918 (VCV001016918.9), dbSNP rs1750669779, ClinGen allele CA360754166.